The following is an entry in ClinVar:

NM_006302.3(MOGS):c.1024C>G (p.Gln342Glu)

Gene: MOGS (mannosyl-oligosaccharide glucosidase; minus strand). Cytogenetic location: 2p13.1.
Variant type: single nucleotide variant.
Coding change: c.1024C>G on transcript NM_006302.3 (MANE Select); coding-DNA position 1024, C replaced by G.
Protein change: p.Gln342Glu; replaces glutamine 342 with glutamic acid.
Molecular consequence: missense variant.
Genome position (GRCh38, 1-based): chr2:74,462,765, G>C on the plus strand (C>G on the coding strand, the complement: MOGS is on the minus strand). VCF-style: chr2-74462765-G-C. GRCh37 (hg19) VCF-style: chr2-74689892-G-C.
Other names: c.1024C>G, p.Gln342Glu (LRG_1226t1); c.706C>G, p.Gln236Glu (NM_001146158.2); short protein forms Q342E, Q236E.
Identifiers: ClinVar variation 574538 (VCV000574538.9), dbSNP rs893214845, ClinGen allele CA347377764.

ClinVar aggregate classification (germline): Uncertain significance (1 of 4 stars; one submission).

Conditions:
MOGS-congenital disorder of glycosylation. Also called: GLUCOSIDASE I DEFICIENCY; CDG 2B; CDG IIb; MOGS-CDG. Identifiers: Orphanet 79330, MedGen C1853736, MONDO:0011629, OMIM 606056.

Submission:

Labcorp Genetics (formerly Invitae), Labcorp
Classification: Uncertain significance for MOGS-congenital disorder of glycosylation. Last evaluated: 2022-09-27. Review status: criteria provided, single submitter. Criteria: Invitae Variant Classification Sherloc (09022015). Collection method: clinical testing. Allele origin: germline.
Comment: This variant is not present in population databases (gnomAD no frequency). In summary, the available evidence is currently insufficient to determine the role of this variant in disease. Therefore, it has been classified as a Variant of Uncertain Significance. Advanced modeling of protein sequence and biophysical properties (such as structural, functional, and spatial information, amino acid conservation, physicochemical variation, residue mobility, and thermodynamic stability) performed at Invitae indicates that this missense variant is not expected to disrupt MOGS protein function. ClinVar contains an entry for this variant (Variation ID: 574538). This variant has not been reported in the literature in individuals affected with MOGS-related conditions. This sequence change replaces glutamine, which is neutral and polar, with glutamic acid, which is acidic and polar, at codon 342 of the MOGS protein (p.Gln342Glu).